The following is an entry in ClinVar:

ClinVar aggregate classification (germline): Uncertain significance (1 of 4 stars; one submission).

Conditions:
Hypertrophic cardiomyopathy. Also called: HYPERTROPHIC MYOCARDIOPATHY. Identifiers: Orphanet 217569, MedGen C0007194, MeSH D002312, MONDO:0005045, HP:0001639.

gnomAD v4.1: 1 of 1,583,612 alleles (0.000063%); highest among the groups gnomAD compares: Non-Finnish European, 0.000086%; no homozygotes.

Submission:

Labcorp Genetics (formerly Invitae), Labcorp
Classification: Uncertain significance for Hypertrophic cardiomyopathy. Last evaluated: 2021-01-07. Review status: criteria provided, single submitter. Criteria: Invitae Variant Classification Sherloc (09022015). Collection method: clinical testing. Allele origin: germline.
Comment: In summary, the available evidence is currently insufficient to determine the role of this variant in disease. Therefore, it has been classified as a Variant of Uncertain Significance. Algorithms developed to predict the effect of missense changes on protein structure and function (SIFT, PolyPhen-2, Align-GVGD) all suggest that this variant is likely to be tolerated, but these predictions have not been confirmed by published functional studies and their clinical significance is uncertain. This variant has not been reported in the literature in individuals with MYOM1-related conditions. This variant is not present in population databases (ExAC no frequency). This sequence change replaces alanine with glycine at codon 1472 of the MYOM1 protein (p.Ala1472Gly). The alanine residue is moderately conserved and there is a small physicochemical difference between alanine and glycine.

NM_003803.4(MYOM1):c.4415C>G (p.Ala1472Gly)

Gene: MYOM1 (myomesin 1; minus strand). Cytogenetic location: 18p11.31.
Variant type: single nucleotide variant.
Coding change: c.4415C>G on transcript NM_003803.4 (MANE Select); coding-DNA position 4415, C replaced by G.
Protein change: p.Ala1472Gly; replaces alanine 1472 with glycine.
Molecular consequence: missense variant.
Genome position (GRCh38, 1-based): chr18:3,083,858, G>C on the plus strand (C>G on the coding strand, the complement: MYOM1 is on the minus strand). VCF-style: chr18-3083858-G-C. GRCh37 (hg19) VCF-style: chr18-3083856-G-C.
Other names: c.4127C>G, p.Ala1376Gly (NM_019856.2); short protein forms A1472G, A1376G.
Identifiers: ClinVar variation 1500741 (VCV001500741.8), dbSNP rs2143683130, ClinGen allele CA401709688.
Genomic context (GRCh38, chr18:3,083,858, plus strand): 5'-CAGTTAACTTTCAAATCCTCCACATAGTAAGTTACAAAAGAGTACAGTTGGATGCCCTCG[G>C]CTGTGCTCTGGATTTTCAGGTCTGTAGCAGACAAAGCTGAAAGAAGAAAATAGCATATTT-3'
Protein context (NP_003794.3, residues 1462-1482): SATDLKIQST[Ala1472Gly]EGIQLYSFVT